The following is an entry in ClinVar:

ClinVar aggregate classification (germline): Conflicting classifications of pathogenicity. Review status: criteria provided, conflicting classifications (1 of 4 stars). 9 submissions from 9 submitters: Uncertain significance (5); Likely benign (3). 1 of the submissions does not count toward it. Last evaluated 2026-02-02.

Conditions:
Breast and/or ovarian cancer. Identifiers: MedGen CN221562.
Hereditary cancer-predisposing syndrome. Also called: Tumor predisposition; Hereditary Cancer Syndrome; Hereditary neoplastic syndrome; Neoplastic Syndromes, Hereditary. Identifiers: Orphanet 140162, MedGen C0027672, MeSH D009386, MONDO:0015356.
Familial cancer of breast. Also called: hereditary breast carcinoma; BREAST CANCER, FAMILIAL; Hereditary breast cancer. Identifiers: Orphanet 227535, MedGen C0346153, MONDO:0016419, OMIM 114480. Disease mechanism: loss of function.
Ataxia-telangiectasia syndrome (AT). Also called: Ataxia telangiectasia (A-T); LOUIS-BAR SYNDROME; Cerebello-oculocutaneous telangiectasia; Immunodeficiency with ataxia telangiectasia; ATAXIA-TELANGIECTASIA, COMPLEMENTATION GROUP A; ATAXIA-TELANGIECTASIA, FRESNO VARIANT. Identifiers: Orphanet 100, MedGen C0004135, MONDO:0008840, OMIM 208900.

Allele frequency attached by ClinVar (database versions not stated): gnomAD exomes 0.00001 and 0.00002; TOPMed 0.00002; gnomAD 0.00003.
gnomAD v4.1: 35 of 1,611,122 alleles (0.0022%); highest among the groups gnomAD compares: East Asian, 0.0045%; no homozygotes.

Submissions (9):

Labcorp Genetics (formerly Invitae), Labcorp
Classification: Likely benign for Ataxia-telangiectasia syndrome. Last evaluated: 2026-02-02. Review status: criteria provided, single submitter. Criteria: Invitae Variant Classification Sherloc (09022015). Collection method: clinical testing. Allele origin: germline.

GeneDx
Classification: Uncertain significance. Last evaluated: 2024-11-12. Review status: criteria provided, single submitter. Criteria: GeneDx Variant Classification Process June 2021. Collection method: clinical testing. Allele origin: germline. Affected: yes.
Comment: Not observed at significant frequency in large population cohorts (gnomAD); In silico analysis indicates that this missense variant does not alter protein structure/function; In silico analysis suggests this variant may impact gene splicing. In the absence of RNA/functional studies, the actual effect of this sequence change is unknown.; This variant is associated with the following publications: (PMID: 35366121, 35585550, 28779002)

Color Diagnostics, LLC DBA Color Health
Classification: Likely benign for Hereditary cancer-predisposing syndrome. Last evaluated: 2024-09-17. Review status: criteria provided, single submitter. Criteria: ACMG Guidelines, 2015. Collection method: clinical testing. Allele origin: germline.

Quest Diagnostics Nichols Institute San Juan Capistrano
Classification: Uncertain significance. Last evaluated: 2024-04-12. Review status: criteria provided, single submitter. Criteria: Quest Diagnostics criteria. Collection method: clinical testing. Allele origin: unknown.

Baylor Genetics
Classification: Uncertain significance for Familial cancer of breast. Last evaluated: 2023-10-30. Review status: criteria provided, single submitter. Criteria: ACMG Guidelines, 2015. Collection method: clinical testing. Allele origin: unknown.

CHEO Genetics Diagnostic Laboratory, Children's Hospital of Eastern Ontario
Classification: Uncertain significance for Breast and/or ovarian cancer. Last evaluated: 2023-06-22. Review status: criteria provided, single submitter. Criteria: ACMG Guidelines, 2015. Collection method: clinical testing. Allele origin: germline.

Ambry Genetics
Classification: Likely benign for Hereditary cancer-predisposing syndrome. Last evaluated: 2018-12-31. Review status: criteria provided, single submitter. Criteria: Ambry Variant Classification Scheme 2023. Collection method: clinical testing. Allele origin: germline.

Women's Health and Genetics/Laboratory Corporation of America, LabCorp
Classification: Uncertain significance. Last evaluated: 2016-05-20. Review status: criteria provided, single submitter. Criteria: LabCorp Variant Classification Summary - May 2015. Collection method: clinical testing. Allele origin: germline.
Comment: Variant summary: The ATM c.2222A>G (p.Tyr741Cys) variant involves the alteration of a non-conserved nucleotide. 3/4 in silico tools predict a benign outcome (SNPs&GO not captured due to low reliability index). This variant was absent in 121224 control chromosomes, and has not, to our knowledge, been reported in affected individuals via publications and/or reputable databases/clinical diagnostic laboratories; nor evaluated for functional impact by in vivo/vitro studies. Because of the absence of clinical information and the lack of functional studies, the variant was classified as a variant of uncertain significance (VUS) until additional information becomes available.

Department of Pathology and Laboratory Medicine, Sinai Health System
Classification: Uncertain significance. Review status: no assertion criteria provided. Collection method: clinical testing. Allele origin: unknown. Affected: yes. Study: The Canadian Open Genetics Repository (COGR). Not counted in ClinVar's aggregate classification.
Comment: The ATM p.Tyr741Cys variant was not identified in the literature nor was it identified in Cosmic or LOVD 3.0. The variant was identified in dbSNP (ID: rs878853492) and ClinVar (classified as likely benign by Ambry Genetics and Color and classified as a VUS by Invitae, GeneDx and Integrated Genetics). The variant was also identified in control databases in 4 of 282608 chromosomes at a frequency of 0.000014 (Genome Aggregation Database Feb 27, 2017). The variant was observed in the following populations: East Asian in 2 of 19902 chromosomes (freq: 0.000101) and European (non-Finnish) in 2 of 129084 chromosomes (freq: 0.000015), while the variant was not observed in the African, Latino, Ashkenazi Jewish, European (Finnish), Other or South Asian populations. The variant occurs outside of the splicing consensus sequence however 3 of 4 in silico or computational prediction software programs (SpliceSiteFinder, MaxEntScan, NNSPLICE) predict the creation of a new 5' splice site. The p.Tyr741 residue is not conserved in mammals and four out of five computational analyses (PolyPhen-2, SIFT, AlignGVGD, MutationTaster) do not suggest a high likelihood of impact to the protein; however, this information is not predictive enough to rule out pathogenicity. In summary, based on the above information the clinical significance of this variant cannot be determined with certainty at this time. This variant is classified as a variant of uncertain significance.

Literature cited by the submitters: PubMed 33471991 (cited by Quest Diagnostics Nichols Institute San Juan Capistrano).

NM_000051.4(ATM):c.2222A>G (p.Tyr741Cys)

Gene: ATM (ATM serine/threonine kinase; plus strand). Cytogenetic location: 11q22.3.
Variant type: single nucleotide variant.
Coding change: c.2222A>G on transcript NM_000051.4 (MANE Select); coding-DNA position 2222, A replaced by G.
Protein change: p.Tyr741Cys; replaces tyrosine 741 with cysteine.
Molecular consequence: missense variant.
Genome position (GRCh38, 1-based): chr11:108,256,312, A>G. VCF-style: chr11-108256312-A-G. GRCh37 (hg19) VCF-style: chr11-108127039-A-G.
Other names: c.2222A>G, p.Tyr741Cys (NM_001351834.2); short protein forms Y741C.
Identifiers: ClinVar variation 236685 (VCV000236685.25), dbSNP rs878853492, ClinGen allele CA10582802.